The following is an entry in ClinVar:

NM_006343.3(MERTK):c.2053T>C (p.Tyr685His)

Gene: MERTK (MER proto-oncogene, tyrosine kinase; plus strand). Cytogenetic location: 2q13.
Variant type: single nucleotide variant.
Coding change: c.2053T>C on transcript NM_006343.3 (MANE Select); coding-DNA position 2053, T replaced by C.
Protein change: p.Tyr685His; replaces tyrosine 685 with histidine.
Molecular consequence: missense variant.
Genome position (GRCh38, 1-based): chr2:112,010,040, T>C. VCF-style: chr2-112010040-T-C. GRCh37 (hg19) VCF-style: chr2-112767617-T-C.
Other names: short protein forms Y685H.
Identifiers: ClinVar variation 850357 (VCV000850357.10), dbSNP rs771972540, ClinGen allele CA1831652.

ClinVar aggregate classification (germline): Uncertain significance. Review status: criteria provided, multiple submitters, no conflicts (2 of 4 stars). 2 submissions from 2 submitters: Uncertain significance (2). Last evaluated 2025-08-07.

Conditions:
Inborn genetic diseases. Identifiers: MedGen C0950123, MeSH D030342.

Allele frequency attached by ClinVar (database versions not stated): gnomAD 0.00001; gnomAD exomes 0.00001 and 0.00003; TOPMed 0.00001; ExAC 0.00004.
gnomAD v4.1: 17 of 1,612,814 alleles (0.0011%); highest among the groups gnomAD compares: South Asian, 0.0066%; no homozygotes.

Submissions (2):

Ambry Genetics
Classification: Uncertain significance for Inborn genetic diseases. Last evaluated: 2025-08-07. Review status: criteria provided, single submitter. Criteria: Ambry Variant Classification Scheme 2023. Collection method: clinical testing. Allele origin: germline.

Labcorp Genetics (formerly Invitae), Labcorp
Classification: Uncertain significance. Last evaluated: 2025-01-06. Review status: criteria provided, single submitter. Criteria: Invitae Variant Classification Sherloc (09022015). Collection method: clinical testing. Allele origin: germline.
Comment: This sequence change replaces tyrosine, which is neutral and polar, with histidine, which is basic and polar, at codon 685 of the MERTK protein (p.Tyr685His). This variant is present in population databases (rs771972540, gnomAD 0.01%). This variant has not been reported in the literature in individuals affected with MERTK-related conditions. ClinVar contains an entry for this variant (Variation ID: 850357). Invitae Evidence Modeling of protein sequence and biophysical properties (such as structural, functional, and spatial information, amino acid conservation, physicochemical variation, residue mobility, and thermodynamic stability) indicates that this missense variant is not expected to disrupt MERTK protein function with a negative predictive value of 80%. In summary, the available evidence is currently insufficient to determine the role of this variant in disease. Therefore, it has been classified as a Variant of Uncertain Significance.